The following is an entry in ClinVar:

NM_021219.4(JAM2):c.805+2T>A

Gene: JAM2 (junctional adhesion molecule 2; plus strand). Cytogenetic location: 21q21.3.
Variant type: single nucleotide variant.
Coding change: c.805+2T>A on transcript NM_021219.4 (MANE Select); the canonical splice donor site of the intron after coding-DNA position 805, T replaced by A.
Molecular consequence: splice donor variant.
Genome position (GRCh38, 1-based): chr21:25,706,088, T>A. VCF-style: chr21-25706088-T-A. GRCh37 (hg19) VCF-style: chr21-27078400-T-A.
Other names: c.697+2T>A (NM_001270407.2); c.805+2T>A (NM_001270408.2).
Identifiers: ClinVar variation 4823620 (VCV004823620.4).

ClinVar aggregate classification (germline): Likely pathogenic (1 of 4 stars; one submission).

Submission:

CeGaT Center for Human Genetics Tuebingen
Classification: Likely pathogenic. Last evaluated: 2026-02-01. Review status: criteria provided, single submitter. Criteria: CeGaT Center For Human Genetics Tuebingen Variant Classification Criteria Version 2. Collection method: clinical testing. Allele origin: germline. Affected: yes. Observed: 1 variant allele.
Comment: JAM2: PVS1:Strong, PM2